The following is an entry in ClinVar:

ClinVar aggregate classification (germline): Benign (1 of 4 stars; one submission).

Allele frequency attached by ClinVar (database versions not stated): TOPMed below 0.00001; ExAC 0.00001; gnomAD 0.00001; gnomAD exomes 0.00001.
gnomAD v4.1: 15 of 1,613,848 alleles (0.00093%); highest among the groups gnomAD compares: Middle Eastern, 0.016%; no homozygotes.

Submission:

CeGaT Center for Human Genetics Tuebingen
Classification: Benign. Last evaluated: 2026-02-01. Review status: criteria provided, single submitter. Criteria: CeGaT Center For Human Genetics Tuebingen Variant Classification Criteria Version 2. Collection method: clinical testing. Allele origin: germline. Affected: yes. Observed: 1 variant allele.
Comment: TRIO: BP4, BS1, BS2

NM_007118.4(TRIO):c.1735C>T (p.Leu579=)

Gene: TRIO (trio Rho guanine nucleotide exchange factor; plus strand). Cytogenetic location: 5p15.2.
Variant type: single nucleotide variant.
Coding change: c.1735C>T on transcript NM_007118.4 (MANE Select); coding-DNA position 1735, C replaced by T.
Protein change: p.Leu579=; no amino-acid change (leucine 579 retained).
Molecular consequence: synonymous variant. On other transcripts: non-coding transcript variant (1).
Genome position (GRCh38, 1-based): chr5:14,330,781, C>T. VCF-style: chr5-14330781-C-T. GRCh37 (hg19) VCF-style: chr5-14330890-C-T.
Identifiers: ClinVar variation 2655313 (VCV002655313.24), dbSNP rs748057385, ClinGen allele CA3205717.